The following is an entry in ClinVar:

NM_022725.4(FANCF):c.1123T>C (p.Ter375Gln)

Gene: FANCF (FA complementation group F; minus strand). Cytogenetic location: 11p14.3.
Variant type: single nucleotide variant.
Coding change: c.1123T>C on transcript NM_022725.4 (MANE Select); coding-DNA position 1123, T replaced by C.
Protein change: p.Ter375Gln.
Molecular consequence: stop lost.
Genome position (GRCh38, 1-based): chr11:22,624,688, A>G on the plus strand (T>C on the coding strand, the complement: FANCF is on the minus strand). VCF-style: chr11-22624688-A-G. GRCh37 (hg19) VCF-style: chr11-22646234-A-G.
Identifiers: ClinVar variation 2196917 (VCV002196917.4), dbSNP rs1160334391, ClinGen allele CA380057626.
Genomic context (GRCh38, chr11:22,624,688, plus strand): 5'-TTGTAATTTTCATTTTGTAAACTATATATTCTATATTCAAGTAATAACACAGCATTGCCT[A>G]TACAGAACTGAGGCCTGCGCTGAGACCCAAAACTTGTCTTTTCCTAAATGCACCACTACG-3'

ClinVar aggregate classification (germline): Uncertain significance. Review status: criteria provided, multiple submitters, no conflicts (2 of 4 stars). 3 submissions from 3 submitters: Uncertain significance (3). Last evaluated 2024-06-15.

Conditions:
Fanconi anemia (FA). Also called: Fanconi's anemia. Identifiers: Orphanet 84, MedGen C0015625, MeSH D005199, MONDO:0019391.
Fanconi anemia complementation group F. Also called: FANCF-Related Fanconi Anemia. Identifiers: Orphanet 84, MedGen C3469526, MONDO:0011325, OMIM 603467.

Allele frequency attached by ClinVar (database versions not stated): gnomAD exomes below 0.00001; TOPMed below 0.00001; gnomAD 0.00001.
gnomAD v4.1: 6 of 1,613,826 alleles (0.00037%); highest among the groups gnomAD compares: Non-Finnish European, 0.00051%; no homozygotes.

Submissions (3):

Fulgent Genetics
Classification: Uncertain significance for Fanconi anemia complementation group F. Last evaluated: 2024-06-15. Review status: criteria provided, single submitter. Criteria: ACMG Guidelines, 2015. Collection method: clinical testing. Allele origin: germline.

Blueprint Genetics
Classification: Uncertain significance. Last evaluated: 2022-09-30. Review status: criteria provided, single submitter. Criteria: ACMG Guidelines, 2015. Collection method: clinical testing. Allele origin: germline.

Labcorp Genetics (formerly Invitae), Labcorp
Classification: Uncertain significance for Fanconi anemia. Last evaluated: 2022-08-21. Review status: criteria provided, single submitter. Criteria: Invitae Variant Classification Sherloc (09022015). Collection method: clinical testing. Allele origin: germline.
Comment: This sequence change disrupts the translational stop signal of the FANCF mRNA. It is expected to extend the length of the FANCF protein by 33 additional amino acid residues. In summary, the available evidence is currently insufficient to determine the role of this variant in disease. Therefore, it has been classified as a Variant of Uncertain Significance. This variant has not been reported in the literature in individuals affected with FANCF-related conditions. This variant is present in population databases (no rsID available, gnomAD 0.0009%).